The following is an entry in ClinVar:

Conditions:
Long QT syndrome 5 (LQT5). Identifiers: Orphanet 101016, Orphanet 768, MedGen C1867904, MONDO:0013372, OMIM 613695.

Submission:

Roden Lab, Vanderbilt University Medical Center
No classification provided (evidence only). Condition: Long QT syndrome 5. Review status: no classification provided. Collection method: in vitro. Allele origin: not applicable. Functional consequence: Effect on ion channel function.
ClinVar note: "not provided" was previously submitted as the classification for the variant. However, the classification appeared to be based only on an observation of functional data so it was converted to no classification on 2025-07-30.

NM_000219.6(KCNE1):c.246C>A (p.Ile82=)

Gene: KCNE1 (potassium voltage-gated channel subfamily E regulatory subunit 1; minus strand). Cytogenetic location: 21q22.12.
Variant type: single nucleotide variant.
Coding change: c.246C>A on transcript NM_000219.6 (MANE Select); coding-DNA position 246, C replaced by A.
Protein change: p.Ile82=; no amino-acid change (isoleucine 82 retained).
Molecular consequence: synonymous variant.
Genome position (GRCh38, 1-based): chr21:34,449,389, G>T on the plus strand (C>A on the coding strand, the complement: KCNE1 is on the minus strand). VCF-style: chr21-34449389-G-T. GRCh37 (hg19) VCF-style: chr21-35821687-G-T.
Other names: c.246C>A, p.Ile82= (NM_001127668.4, NM_001127669.4, NM_001127670.4 and 4 more transcripts).
Identifiers: ClinVar variation 3374428 (VCV003374428.2).